The following is an entry in ClinVar:

NM_001082486.2(ACD):c.713G>A (p.Ser238Asn)

Gene: ACD (ACD shelterin complex subunit and telomerase recruitment factor; minus strand). Cytogenetic location: 16q22.1.
Variant type: single nucleotide variant.
Coding change: c.713G>A on transcript NM_001082486.2 (MANE Select); coding-DNA position 713, G replaced by A.
Protein change: p.Ser238Asn; replaces serine 238 with asparagine.
Molecular consequence: missense variant.
Genome position (GRCh38, 1-based): chr16:67,658,749, C>T on the plus strand (G>A on the coding strand, the complement: ACD is on the minus strand). VCF-style: chr16-67658749-C-T. GRCh37 (hg19) VCF-style: chr16-67692652-C-T.
Other names: c.713G>A, p.Ser238Asn (NM_001410884.1); c.704G>A, p.Ser235Asn (NM_022914.3); short protein forms S235N, S238N.
Identifiers: ClinVar variation 1767975 (VCV001767975.2), dbSNP rs2543602242, ClinGen allele CA396353510.

ClinVar aggregate classification (germline): Uncertain significance (1 of 4 stars; one submission).

Conditions:
Inborn genetic diseases. Identifiers: MedGen C0950123, MeSH D030342.

Submission:

Ambry Genetics
Classification: Uncertain significance for Inborn genetic diseases. Last evaluated: 2022-03-20. Review status: criteria provided, single submitter. Criteria: Ambry Variant Classification Scheme 2023. Collection method: clinical testing. Allele origin: germline.
Comment: The p.S324N variant (also known as c.971G>A), located in coding exon 8 of the ACD gene, results from a G to A substitution at nucleotide position 971. The serine at codon 324 is replaced by asparagine, an amino acid with highly similar properties. This amino acid position is conserved. In addition, this alteration is predicted to be tolerated by in silico analysis. Since supporting evidence is limited at this time, the clinical significance of this alteration remains unclear.